The following is an entry in ClinVar:

NM_002470.4(MYH3):c.4004A>G (p.Gln1335Arg)

Gene: MYH3 (myosin heavy chain 3; minus strand). Cytogenetic location: 17p13.1.
Variant type: single nucleotide variant.
Coding change: c.4004A>G on transcript NM_002470.4 (MANE Select); coding-DNA position 4004, A replaced by G.
Protein change: p.Gln1335Arg; replaces glutamine 1335 with arginine.
Molecular consequence: missense variant.
Genome position (GRCh38, 1-based): chr17:10,635,535, T>C on the plus strand (A>G on the coding strand, the complement: MYH3 is on the minus strand). VCF-style: chr17-10635535-T-C. GRCh37 (hg19) VCF-style: chr17-10538852-T-C.
Other names: short protein forms Q1335R.
Identifiers: ClinVar variation 1369523 (VCV001369523.6), dbSNP rs766034952, ClinGen allele CA8392331.
Genomic context (GRCh38, chr17:10,635,535, plus strand): 5'-TTGCCTTCCTGCTCCTCCTCATACTGTTCCCGCAGCAGGTCACAGTCGTGGCGGGAGGAC[T>C]GCAGGGCGTGCGCCAGGGCGTTCTTGGCCTGCAGAAGTTAAAAAGAGAAGAGCACCTGAT-3'
Protein context (NP_002461.2, residues 1325-1345): KAKNALAHAL[Gln1335Arg]SSRHDCDLLR

ClinVar aggregate classification (germline): Uncertain significance (1 of 4 stars; one submission).

Allele frequency attached by ClinVar (database versions not stated): gnomAD exomes 0.00002 and 0.00001; TOPMed 0.00002; gnomAD 0.00001; ExAC 0.00002.
gnomAD v4.1: 21 of 1,614,090 alleles (0.0013%); highest among the groups gnomAD compares: Non-Finnish European, 0.0017%; no homozygotes.

Submission:

Labcorp Genetics (formerly Invitae), Labcorp
Classification: Uncertain significance. Last evaluated: 2025-10-01. Review status: criteria provided, single submitter. Criteria: Invitae Variant Classification Sherloc (09022015). Collection method: clinical testing. Allele origin: germline.
Comment: This sequence change replaces glutamine, which is neutral and polar, with arginine, which is basic and polar, at codon 1335 of the MYH3 protein (p.Gln1335Arg). This variant is present in population databases (rs766034952, gnomAD 0.004%). This variant has not been reported in the literature in individuals affected with MYH3-related conditions. ClinVar contains an entry for this variant (Variation ID: 1369523). Invitae Evidence Modeling of protein sequence and biophysical properties (such as structural, functional, and spatial information, amino acid conservation, physicochemical variation, residue mobility, and thermodynamic stability) indicates that this missense variant is not expected to disrupt MYH3 protein function with a negative predictive value of 95%. In summary, the available evidence is currently insufficient to determine the role of this variant in disease. Therefore, it has been classified as a Variant of Uncertain Significance.